The following is an entry in ClinVar:

ClinVar aggregate classification (germline): Uncertain significance (1 of 4 stars; one submission).

Conditions:
Hypertrophic cardiomyopathy. Also called: HYPERTROPHIC MYOCARDIOPATHY. Identifiers: Orphanet 217569, MedGen C0007194, MeSH D002312, MONDO:0005045, HP:0001639.

gnomAD v4.1: 1 of 1,614,038 alleles (0.000062%); highest among the groups gnomAD compares: Middle Eastern, 0.017%; no homozygotes.

Submission:

Labcorp Genetics (formerly Invitae), Labcorp
Classification: Uncertain significance for Hypertrophic cardiomyopathy. Last evaluated: 2025-12-01. Review status: criteria provided, single submitter. Criteria: Invitae Variant Classification Sherloc (09022015). Collection method: clinical testing. Allele origin: germline.
Comment: This sequence change creates a premature translational stop signal (p.Gln1458*) in the MYH7 gene. It is expected to result in an absent or disrupted protein product. However, the current clinical and genetic evidence is not sufficient to establish whether loss-of-function variants in MYH7 cause disease. This variant is not present in population databases (gnomAD no frequency). This variant has not been reported in the literature in individuals affected with MYH7-related conditions. ClinVar contains an entry for this variant (Variation ID: 312897). In summary, the available evidence is currently insufficient to determine the role of this variant in disease. Therefore, it has been classified as a Variant of Uncertain Significance.

NM_000257.4(MYH7):c.4372C>T (p.Gln1458Ter)

Genes: MHRT (myosin heavy chain associated RNA transcript; plus strand), MYH7 (myosin heavy chain 7; minus strand). Cytogenetic location: 14q11.2.
Variant type: single nucleotide variant.
Coding change: c.4372C>T on transcript NM_000257.4 (MANE Select); coding-DNA position 4372, C replaced by T.
Protein change: p.Gln1458Ter; replaces glutamine 1458 with a stop codon.
Molecular consequence: nonsense. On other transcripts: non-coding transcript variant (1).
Genome position (GRCh38, 1-based): chr14:23,417,300, G>A on the plus strand (C>T on the coding strand, the complement: MYH7 is on the minus strand). VCF-style: chr14-23417300-G-A. GRCh37 (hg19) VCF-style: chr14-23886509-G-A.
Other names: c.4372C>T (LRG_384t1); short protein forms Q1458*.
Identifiers: ClinVar variation 312897 (VCV000312897.6), dbSNP rs190577943, ClinGen allele CA10639967.
Genomic context (GRCh38, chr14:23,417,300, plus strand): 5'-TGAGGGAGCGAGCCTCCTTCTGCGAGGACTCCAGCTCCGACTGCGACTCCTCATACTTCT[G>A]CTTCCACTCGGCCAGGATCTGCCCGGGGACAAGGCTCACTCTTCAGCCCCCCAGCCTCAG-3'